The following is an entry in ClinVar:

ClinVar aggregate classification (germline): Likely pathogenic (1 of 4 stars; one submission).

Conditions:
Fabry disease. Also called: ALPHA-GALACTOSIDASE A DEFICIENCY; ANDERSON-FABRY DISEASE; CERAMIDE TRIHEXOSIDASE DEFICIENCY; GLA DEFICIENCY; HEREDITARY DYSTOPIC LIPIDOSIS; Angiokeratoma corporis diffusum. Identifiers: Orphanet 324, MedGen C0002986, MONDO:0010526, OMIM 301500, HP:0001071. Disease mechanism: Fabry disease is due to inactivating mutations in the X-linked GLA gene resulting in deficiency of the enzyme Alpha Galactosidase-A., loss of function.

Submission:

Genomenon, Inc
Classification: Likely pathogenic for Fabry disease. Last evaluated: 2026-09-08. Review status: criteria provided, single submitter. Criteria: Genomenon Sequence Variant Interpretation Standards - Updated. Collection method: curation. Allele origin: germline. Affected: yes.
Comment: GLA p.Cys142Phe (c.425G>T) is a missense variant that changes the amino acid at codon 142 from Cysteine to Phenylalanine. This variant has been observed in at least one proband with clinical features consistent with Fabry disease (PMID:39609713). Functional or patient cell studies have been reported (PMID:39609713). This variant is located in a mutational hotspot and/or important functional domain. It is absent or not present at a significant frequency in gnomAD. In silico models predict that this variant is possibly or probably damaging. In conclusion, we classify GLA p.Cys142Phe (c.425G>T) as a likely pathogenic variant.

Literature cited by the submitters: PubMed 39609713.

NM_000169.3(GLA):c.425G>T (p.Cys142Phe)

Genes: GLA (galactosidase alpha; minus strand), RPL36A-HNRNPH2 (RPL36A-HNRNPH2 readthrough; plus strand). Cytogenetic location: Xq22.1.
Variant type: single nucleotide variant.
Coding change: c.425G>T on transcript NM_000169.3 (MANE Select); coding-DNA position 425, G replaced by T.
Protein change: p.Cys142Phe; replaces cysteine 142 with phenylalanine.
Molecular consequence: missense variant. On other transcripts: non-coding transcript variant (3), intron variant (2).
Genome position (GRCh38, 1-based): chrX:101,401,754, C>A on the plus strand (G>T on the coding strand, the complement: GLA is on the minus strand). VCF-style: chrX-101401754-C-A. GRCh37 (hg19) VCF-style: chrX-100656742-C-A.
Other names: c.548G>T, p.Cys183Phe (NM_001406747.1, NM_001406749.1); c.425G>T, p.Cys142Phe (NM_001406748.1); c.300+6297C>A (NM_001199973.2); c.177+9932C>A (NM_001199974.2); short protein forms C142F, C183F.
Identifiers: ClinVar variation 4087367 (VCV004087367.2).
Genomic context (GRCh38, chrX:101,401,754, plus strand): 5'-CAGTCAGCAAAGGTCTGGGCATCAATGTCGTAGTATCCAAAACTCCCAGGGAAGCCTGCG[C>A]AGGTTTTATTTCCAACATCTGCATAAATCCCTAGCTTCAGTCCTTTGCTGTGAACCTGAA-3'
Protein context (NP_000160.1, residues 132-152): GIYADVGNKT[Cys142Phe]AGFPGSFGYY